The following is an entry in ClinVar:

ClinVar aggregate classification (germline): Benign (0 of 4 stars; one submission).

Conditions:
NRP1-related disorder. Also called: NRP1-related condition.

Allele frequency attached by ClinVar (database versions not stated): 1000 Genomes Project 30x 0.00422; 1000 Genomes Project 0.00439; TOPMed 0.00744; ESP Exome Variant Server 0.00761; gnomAD 0.00997; ExAC 0.01076; gnomAD exomes 0.01179.
gnomAD v4.1: 18,729 of 1,614,142 alleles (1.2%); highest among the groups gnomAD compares: Non-Finnish European, 1.2%; 186 homozygotes.

Submission:

PreventionGenetics, part of Exact Sciences
Classification: Benign for NRP1-related condition. Last evaluated: 2019-02-28. Review status: no assertion criteria provided. Collection method: clinical testing. Allele origin: germline.
Comment: This variant is classified as benign based on ACMG/AMP sequence variant interpretation guidelines (Richards et al. 2015 PMID: 25741868, with internal and published modifications).

NM_003873.7(NRP1):c.1683C>G (p.Phe561Leu)

Gene: NRP1 (neuropilin 1; minus strand). Cytogenetic location: 10p11.22.
Variant type: single nucleotide variant.
Coding change: c.1683C>G on transcript NM_003873.7 (MANE Select); coding-DNA position 1683, C replaced by G.
Protein change: p.Phe561Leu; replaces phenylalanine 561 with leucine.
Molecular consequence: missense variant. On other transcripts: non-coding transcript variant (1).
Genome position (GRCh38, 1-based): chr10:33,207,648, G>C on the plus strand (C>G on the coding strand, the complement: NRP1 is on the minus strand). VCF-style: chr10-33207648-G-C. GRCh37 (hg19) VCF-style: chr10-33496576-G-C.
Other names: c.1683C>G, p.Phe561Leu (NM_001024628.3, NM_001024629.3, NM_001244972.2 and 2 more transcripts); short protein forms F561L.
Identifiers: ClinVar variation 3041874 (VCV003041874.2), dbSNP rs2228637, ClinGen allele CA5466532.